The following is an entry in ClinVar:

ClinVar aggregate classification (germline): Likely benign. Review status: criteria provided, multiple submitters, no conflicts (2 of 4 stars). 2 submissions from 2 submitters: Likely benign (2). Last evaluated 2025-11-18.

Conditions:
Renal cell carcinoma. Identifiers: Orphanet 217071, MedGen C0007134, MeSH D002292, MONDO:0005086, HP:0005584.
Papillary renal cell carcinoma type 1 (RCCP1). Also called: RENAL CELL CARCINOMA, PAPILLARY, 1, SOMATIC; Renal adenocarcinoma; Renal cell carcinoma 1; Renal cell carcinoma, somatic. Identifiers: Orphanet 47044, MedGen C1336839, OMIM 605074, HP:0011797.

Allele frequency attached by ClinVar (database versions not stated): ExAC 0.00001; gnomAD exomes 0.00001.
gnomAD v4.1: 6 of 1,613,600 alleles (0.00037%); highest among the groups gnomAD compares: Admixed American, 0.0067%; no homozygotes.

Submissions (2):

Labcorp Genetics (formerly Invitae), Labcorp
Classification: Likely benign for Renal cell carcinoma. Last evaluated: 2025-11-18. Review status: criteria provided, single submitter. Criteria: Invitae Variant Classification Sherloc (09022015). Collection method: clinical testing. Allele origin: germline.

Myriad Genetics, Inc.
Classification: Likely benign for Papillary renal cell carcinoma type 1. Last evaluated: 2024-11-12. Review status: criteria provided, single submitter. Criteria: Myriad Autosomal Dominant, Autosomal Recessive and X-Linked Classification Criteria (2023). Collection method: clinical testing. Allele origin: unknown.
Comment: This variant is considered likely benign. This variant is intronic and is not expected to impact mRNA splicing.

NM_000245.4(MET):c.2888-17T>C

Gene: MET (MET proto-oncogene, receptor tyrosine kinase; plus strand). Cytogenetic location: 7q31.2.
Variant type: single nucleotide variant.
Coding change: c.2888-17T>C on transcript NM_000245.4 (MANE Select); 17 bases into the intron before coding-DNA position 2888, T replaced by C.
Molecular consequence: intron variant.
Genome position (GRCh38, 1-based): chr7:116,771,832, T>C. VCF-style: chr7-116771832-T-C. GRCh37 (hg19) VCF-style: chr7-116411886-T-C.
Other names: c.2942-17T>C (NM_001127500.3); c.1598-17T>C (NM_001324402.2).
Identifiers: ClinVar variation 1628668 (VCV001628668.9), dbSNP rs767063578, ClinGen allele CA4448611.
Genomic context (GRCh38, chr7:116,771,832, plus strand): 5'-TCTGGGCACTGGGTCAAAGTCTCCTGGGGCCCATGATAGCCGTCTTTAACAAGCTCTTTC[T>C]TTCTCTCTGTTTTAAGATCTGGGCAGTGAATTAGTTCGCTACGATGCAAGAGTACACACT-3'